The following is an entry in ClinVar:

NM_001018005.2(TPM1):c.631G>A (p.Ala211Thr)

Gene: TPM1 (tropomyosin 1; plus strand). Cytogenetic location: 15q22.2.
Variant type: single nucleotide variant.
Coding change: c.631G>A on transcript NM_001018005.2 (MANE Select); coding-DNA position 631, G replaced by A.
Protein change: p.Ala211Thr; replaces alanine 211 with threonine.
Molecular consequence: missense variant. On other transcripts: non-coding transcript variant (16), intron variant (21).
Genome position (GRCh38, 1-based): chr15:63,061,780, G>A. VCF-style: chr15-63061780-G-A. GRCh37 (hg19) VCF-style: chr15-63353979-G-A.
Other names: c.523G>A, p.Ala175Thr (NM_001301289.2, NM_001330346.2, NM_001365780.1 and 3 more transcripts); c.631G>A, p.Ala211Thr (NM_001365776.1, NM_001365777.1, NM_001365779.1 and 7 more transcripts); c.757G>A, p.Ala253Thr (NM_001365778.1, NM_001407324.1); c.640-435G>A (NM_001407336.1, NM_001018020.2, NM_001407326.1 and 10 more transcripts); c.766-435G>A (NM_001407323.1, NM_001407322.1); c.532-435G>A (NM_001330351.2, NM_001330344.2, NM_001365781.2 and 3 more transcripts); short protein forms A211T, A175T, A253T.
Identifiers: ClinVar variation 3712145 (VCV003712145.1).

ClinVar aggregate classification (germline): Uncertain significance (1 of 4 stars; one submission).

Conditions:
Hypertrophic cardiomyopathy. Also called: HYPERTROPHIC MYOCARDIOPATHY. Identifiers: Orphanet 217569, MedGen C0007194, MeSH D002312, MONDO:0005045, HP:0001639.

gnomAD v4.1: 2 of 1,614,134 alleles (0.00012%); highest among the groups gnomAD compares: Non-Finnish European, 0.00017%; no homozygotes.

Submission:

Labcorp Genetics (formerly Invitae), Labcorp
Classification: Uncertain significance for Hypertrophic cardiomyopathy. Last evaluated: 2024-05-06. Review status: criteria provided, single submitter. Criteria: Invitae Variant Classification Sherloc (09022015). Collection method: clinical testing. Allele origin: germline.
Comment: This sequence change replaces alanine, which is neutral and non-polar, with threonine, which is neutral and polar, at codon 211 of the TPM1 protein (p.Ala211Thr). This variant is not present in population databases (gnomAD no frequency). This variant has not been reported in the literature in individuals affected with TPM1-related conditions. An algorithm developed to predict the effect of missense changes on protein structure and function (PolyPhen-2) suggests that this variant¬†is likely to be tolerated. In summary, the available evidence is currently insufficient to determine the role of this variant in disease. Therefore, it has been classified as a Variant of Uncertain Significance.